The following is an entry in ClinVar:

ClinVar aggregate classification (germline): Conflicting classifications of pathogenicity. Review status: criteria provided, conflicting classifications (1 of 4 stars). 6 submissions from 6 submitters: Uncertain significance (5); Benign (1). Last evaluated 2025-12-27.

Conditions:
BAP1-related tumor predisposition syndrome (TPDS1). Also called: BAP1 tumor predisposition syndrome; Tumor susceptibility linked to germline BAP1 mutations; TUMOR PREDISPOSITION SYNDROME 1; COMMON Syndrome. Identifiers: Orphanet 289539, MedGen C3280492, MONDO:0013692, OMIM 614327.
Hereditary cancer-predisposing syndrome. Also called: Neoplastic Syndromes, Hereditary; Tumor predisposition; Hereditary Cancer Syndrome; Hereditary neoplastic syndrome. Identifiers: Orphanet 140162, MedGen C0027672, MeSH D009386, MONDO:0015356.

Allele frequency attached by ClinVar (database versions not stated): gnomAD exomes below 0.00001; gnomAD 0.00001; TOPMed 0.00001; ESP Exome Variant Server 0.00008.
gnomAD v4.1: 5 of 1,613,808 alleles (0.00031%); highest among the groups gnomAD compares: Non-Finnish European, 0.00042%; no homozygotes.

Submissions (6):

Labcorp Genetics (formerly Invitae), Labcorp
Classification: Uncertain significance for BAP1-related tumor predisposition syndrome. Last evaluated: 2025-12-27. Review status: criteria provided, single submitter. Criteria: Invitae Variant Classification Sherloc (09022015). Collection method: clinical testing. Allele origin: germline.
Comment: This sequence change replaces serine, which is neutral and polar, with leucine, which is neutral and non-polar, at codon 583 of the BAP1 protein (p.Ser583Leu). This variant is present in population databases (rs369259771, gnomAD 0.0009%). This missense change has been observed in individual(s) with malignant mesothelioma and basal cell carcinoma (PMID: 26719535). ClinVar contains an entry for this variant (Variation ID: 412429). An algorithm developed to predict the effect of missense changes on protein structure and function (PolyPhen-2) suggests that this variant is likely to be tolerated. Experimental studies are conflicting or provide insufficient evidence to determine the effect of this variant on BAP1 function (PMID: 26719535). In summary, the available evidence is currently insufficient to determine the role of this variant in disease. Therefore, it has been classified as a Variant of Uncertain Significance.

Ambry Genetics
Classification: Benign for Hereditary cancer-predisposing syndrome. Last evaluated: 2025-01-13. Review status: criteria provided, single submitter. Criteria: Ambry Variant Classification Scheme 2023. Collection method: clinical testing. Allele origin: germline.

Baylor Genetics
Classification: Uncertain significance for BAP1-related tumor predisposition syndrome. Last evaluated: 2024-02-07. Review status: criteria provided, single submitter. Criteria: ACMG Guidelines, 2015. Collection method: clinical testing. Allele origin: unknown.

GeneDx
Classification: Uncertain significance. Last evaluated: 2022-12-07. Review status: criteria provided, single submitter. Criteria: GeneDx Variant Classification Process June 2021. Collection method: clinical testing. Allele origin: germline. Affected: yes.
Comment: Not observed at significant frequency in large population cohorts (gnomAD); In silico analysis supports that this missense variant does not alter protein structure/function; Published functional studies are inconclusive: associated with normal ASXL2 binding and moderately decreased enzyme activity compared to wild type (Ohar et al., 2016); Observed in an individual with mesothelioma and basal cell carcinoma (Ohar et al., 2016); This variant is associated with the following publications: (PMID: 27181379, 26719535)

Color Diagnostics, LLC DBA Color Health
Classification: Uncertain significance for Hereditary cancer-predisposing syndrome. Last evaluated: 2022-07-26. Review status: criteria provided, single submitter. Criteria: ACMG Guidelines, 2015. Collection method: clinical testing. Allele origin: germline.
Comment: This missense variant replaces serine with leucine at codon 583 of the BAP1 protein. Computational prediction suggests that this variant may not impact protein structure and function (internally defined REVEL score threshold <= 0.5, PMID: 27666373). A functional study has shown that this variant causes a mild decrease in BAP1 enzymatic activity (PMID: 26719535). This variant has been reported as a germline variant in an asbestos-exposed individual affected with mesothelioma and basal cell carcinoma. The proband's child of unknown genotype died of cutaneous melanoma (PMID: 26719535). This variant has not been reported in individuals affected with hereditary cancer in the literature. This variant has been identified in 1/246024 chromosomes in the general population by the Genome Aggregation Database (gnomAD). The available evidence is insufficient to determine the role of this variant in disease conclusively. Therefore, this variant is classified as a Variant of Uncertain Significance.

Mendelics
Classification: Uncertain significance. Last evaluated: 2022-05-04. Review status: criteria provided, single submitter. Criteria: Mendelics Assertion Criteria 2019. Collection method: clinical testing. Allele origin: germline.

Literature cited by the submitters: PubMed 26719535 (cited by 3 submitters); PubMed 38969833 (cited by Ambry Genetics).

NM_004656.4(BAP1):c.1748C>T (p.Ser583Leu)

Gene: BAP1 (BRCA1 associated deubiquitinase 1; minus strand). Cytogenetic location: 3p21.1.
Variant type: single nucleotide variant.
Coding change: c.1748C>T on transcript NM_004656.4 (MANE Select); coding-DNA position 1748, C replaced by T.
Protein change: p.Ser583Leu; replaces serine 583 with leucine.
Molecular consequence: missense variant.
Genome position (GRCh38, 1-based): chr3:52,403,280, G>A on the plus strand (C>T on the coding strand, the complement: BAP1 is on the minus strand). VCF-style: chr3-52403280-G-A. GRCh37 (hg19) VCF-style: chr3-52437296-G-A.
Other names: c.1748C>T (LRG_529t1); short protein forms S583L.
Identifiers: ClinVar variation 412429 (VCV000412429.20), dbSNP rs369259771, ClinGen allele CA16611516.